The following is an entry in ClinVar:

ClinVar aggregate classification (germline): Likely benign. Review status: criteria provided, multiple submitters, no conflicts (2 of 4 stars). 5 submissions from 5 submitters: Likely benign (4). 1 of the submissions does not count toward it. Last evaluated 2025-09-29.

Conditions:
RP1L1-related disorder. Also called: RP1L1-related condition.
Retinal dystrophy. Also called: Inherited retinal dystrophy. Identifiers: Orphanet 71862, MedGen C0854723, MeSH D058499, MONDO:0019118, HP:0000556.

Allele frequency attached by ClinVar (database versions not stated): gnomAD 0.00009 and 0.00010; gnomAD exomes 0.00014; TOPMed 0.00015; ESP Exome Variant Server 0.00016; ExAC 0.00018.
gnomAD v4.1: 293 of 1,614,094 alleles (0.018%); highest among the groups gnomAD compares: Middle Eastern, 0.12%; no homozygotes.

Submissions (5):

Labcorp Genetics (formerly Invitae), Labcorp
Classification: Likely benign. Last evaluated: 2025-09-29. Review status: criteria provided, single submitter. Criteria: Invitae Variant Classification Sherloc (09022015). Collection method: clinical testing. Allele origin: germline.

PreventionGenetics, part of Exact Sciences
Classification: Likely benign for RP1L1-related condition. Last evaluated: 2025-07-09. Review status: criteria provided, single submitter. Criteria: ACMG Guidelines, 2015. Collection method: clinical testing. Allele origin: germline.
Comment: This variant is classified as likely benign based on ACMG/AMP sequence variant interpretation guidelines (Richards et al. 2015 PMID: 25741868, with internal and published modifications).

Blueprint Genetics
Classification: Likely benign. Last evaluated: 2024-11-05. Review status: criteria provided, single submitter. Criteria: ACMG Guidelines, 2015. Collection method: clinical testing. Allele origin: germline.

Breakthrough Genomics
Classification: Likely benign. Review status: criteria provided, single submitter. Criteria: ACMG Guidelines, 2015. Collection method: not provided. Allele origin: germline. Inheritance: Autosomal recessive inheritance. Affected: yes.

Institute of Human Genetics, Univ. Regensburg, Univ. Regensburg
Classification: Uncertain significance for Retinal dystrophy. Last evaluated: 2017-01-01. Review status: no assertion criteria provided. Criteria: ACMG Guidelines, 2015. Collection method: clinical testing. Allele origin: germline. Affected: yes. Not counted in ClinVar's aggregate classification.

NM_178857.6(RP1L1):c.549C>T (p.Gly183=)

Gene: RP1L1 (RP1 like 1). Cytogenetic location: 8p23.1.
Variant type: single nucleotide variant.
Coding change: c.549C>T on transcript NM_178857.6 (MANE Select); coding-DNA position 549, C replaced by T.
Protein change: p.Gly183=; no amino-acid change (glycine 183 retained).
Molecular consequence: synonymous variant.
Genome position (GRCh38, 1-based): chr8:10,622,653, G>A on the plus strand (C>T on the coding strand, the complement: RP1L1 is on the minus strand). VCF-style: chr8-10622653-G-A. GRCh37 (hg19) VCF-style: chr8-10480163-G-A.
Other names: c.549C>T (NM_178857.5).
Identifiers: ClinVar variation 1554023 (VCV001554023.12), dbSNP rs200762007, ClinGen allele CA4625647.